The following is an entry in ClinVar:

NM_006031.6(PCNT):c.7966G>C (p.Glu2656Gln)

Gene: PCNT (pericentrin; plus strand). Cytogenetic location: 21q22.3.
Variant type: single nucleotide variant.
Coding change: c.7966G>C on transcript NM_006031.6 (MANE Select); coding-DNA position 7966, G replaced by C.
Protein change: p.Glu2656Gln; replaces glutamic acid 2656 with glutamine.
Molecular consequence: missense variant.
Genome position (GRCh38, 1-based): chr21:46,430,559, G>C. VCF-style: chr21-46430559-G-C. GRCh37 (hg19) VCF-style: chr21-47850473-G-C.
Other names: c.7612G>C, p.Glu2538Gln (NM_001315529.2); c.7966G>C (NM_006031.5); short protein forms E2656Q, E2538Q.
Identifiers: ClinVar variation 597349 (VCV000597349.6), dbSNP rs981766239, ClinGen allele CA322015521.

ClinVar aggregate classification (germline): Uncertain significance. Review status: criteria provided, multiple submitters, no conflicts (2 of 4 stars). 2 submissions from 2 submitters: Uncertain significance (2). Last evaluated 2025-10-11.

Conditions:
PCNT-related disorder. Also called: PCNT-related condition.

Allele frequency attached by ClinVar (database versions not stated): TOPMed 0.00001; gnomAD 0.00001; gnomAD exomes 0.00001.
gnomAD v4.1: 8 of 1,558,382 alleles (0.00051%); highest among the groups gnomAD compares: Middle Eastern, 0.042%; no homozygotes.

Submissions (2):

PreventionGenetics, part of Exact Sciences
Classification: Uncertain significance for PCNT-related condition. Last evaluated: 2025-10-11. Review status: criteria provided, single submitter. Criteria: ACMG Guidelines, 2015. Collection method: clinical testing. Allele origin: germline.
Comment: The PCNT c.7966G>C variant is predicted to result in the amino acid substitution p.Glu2656Gln. To our knowledge, this variant has not been reported in the literature. This variant is reported in 0.0015% of alleles in individuals of European (Non-Finnish) descent in gnomAD. At this time, the clinical significance of this variant is uncertain due to the absence of conclusive functional and genetic evidence.

Eurofins Ntd Llc (ga)
Classification: Uncertain significance. Last evaluated: 2018-06-11. Review status: criteria provided, single submitter. Criteria: EGL ClinVar v180209 classification definitions. Collection method: clinical testing. Allele origin: germline. Observed: 1 variant allele, 1 heterozygote.